The following is an entry in ClinVar:

ClinVar aggregate classification (germline): Uncertain significance (1 of 4 stars; one submission).

Conditions:
Dilated cardiomyopathy 1HH (CMD1HH). Identifiers: Orphanet 154, MedGen C3151293, MONDO:0013479, OMIM 613881.
Myofibrillar myopathy 6. Identifiers: Orphanet 199340, MedGen C2751831, MONDO:0013061, OMIM 612954.

Submission:

Labcorp Genetics (formerly Invitae), Labcorp
Classification: Uncertain significance for Dilated cardiomyopathy 1HH; Myofibrillar myopathy 6. Last evaluated: 2025-05-13. Review status: criteria provided, single submitter. Criteria: Invitae Variant Classification Sherloc (09022015). Collection method: clinical testing. Allele origin: germline.
Comment: This sequence change replaces proline, which is neutral and non-polar, with alanine, which is neutral and non-polar, at codon 407 of the BAG3 protein (p.Pro407Ala). This variant is not present in population databases (gnomAD no frequency). This variant has not been reported in the literature in individuals affected with BAG3-related conditions. ClinVar contains an entry for this variant (Variation ID: 3753474). Invitae Evidence Modeling of protein sequence and biophysical properties (such as structural, functional, and spatial information, amino acid conservation, physicochemical variation, residue mobility, and thermodynamic stability) indicates that this missense variant is not expected to disrupt BAG3 protein function with a negative predictive value of 80%. In summary, the available evidence is currently insufficient to determine the role of this variant in disease. Therefore, it has been classified as a Variant of Uncertain Significance.

NM_004281.4(BAG3):c.1219C>G (p.Pro407Ala)

Gene: BAG3 (BAG cochaperone 3; plus strand). Cytogenetic location: 10q26.11.
Variant type: single nucleotide variant.
Coding change: c.1219C>G on transcript NM_004281.4 (MANE Select); coding-DNA position 1219, C replaced by G.
Protein change: p.Pro407Ala; replaces proline 407 with alanine.
Molecular consequence: missense variant.
Genome position (GRCh38, 1-based): chr10:119,676,773, C>G. VCF-style: chr10-119676773-C-G. GRCh37 (hg19) VCF-style: chr10-121436285-C-G.
Other names: short protein forms P407A.
Identifiers: ClinVar variation 3753474 (VCV003753474.2).